The following is an entry in ClinVar:

NM_024426.6(WT1):c.423T>C (p.Pro141=)

Genes: WT1 (WT1 transcription factor; minus strand), LOC107982234 (WT1/WT1-AS bi-directional promoter region; plus strand). Cytogenetic location: 11p13.
Variant type: single nucleotide variant.
Coding change: c.423T>C on transcript NM_024426.6 (MANE Select); coding-DNA position 423, T replaced by C.
Protein change: p.Pro141=; no amino-acid change (proline 141 retained).
Molecular consequence: synonymous variant. On other transcripts: non-coding transcript variant (2).
Genome position (GRCh38, 1-based): chr11:32,434,938, A>G on the plus strand (T>C on the coding strand, the complement: WT1 is on the minus strand). VCF-style: chr11-32434938-A-G. GRCh37 (hg19) VCF-style: chr11-32456484-A-G.
Other names: c.423T>C, p.Pro141= (NM_000378.6, NM_001407044.1, NM_001407045.1 and 6 more transcripts); c.204T>C, p.Pro68= (NM_001429031.1, NM_001429032.1, NM_001429033.1 and 1 more transcripts).
Identifiers: ClinVar variation 4083885 (VCV004083885.8).

ClinVar aggregate classification (germline): Likely benign (1 of 4 stars; one submission).

Submission:

CeGaT Center for Human Genetics Tuebingen
Classification: Likely benign. Last evaluated: 2025-08-01. Review status: criteria provided, single submitter. Criteria: CeGaT Center For Human Genetics Tuebingen Variant Classification Criteria Version 2. Collection method: clinical testing. Allele origin: germline. Affected: yes. Observed: 1 variant allele.
Comment: WT1: PM2:Supporting, BP4, BP7